The following is an entry in ClinVar:

NM_001853.4(COL9A3):c.1796G>A (p.Gly599Asp)

Gene: COL9A3 (collagen type IX alpha 3 chain; plus strand). Cytogenetic location: 20q13.33.
Variant type: single nucleotide variant.
Coding change: c.1796G>A on transcript NM_001853.4 (MANE Select); coding-DNA position 1796, G replaced by A.
Protein change: p.Gly599Asp; replaces glycine 599 with aspartic acid.
Molecular consequence: missense variant.
Genome position (GRCh38, 1-based): chr20:62,838,693, G>A. VCF-style: chr20-62838693-G-A. GRCh37 (hg19) VCF-style: chr20-61470045-G-A.
Other names: short protein forms G599D.
Identifiers: ClinVar variation 1174164 (VCV001174164.9), dbSNP rs149237756, ClinGen allele CA9950212.

ClinVar aggregate classification (germline): Uncertain significance. Review status: criteria provided, multiple submitters, no conflicts (2 of 4 stars). 2 submissions from 2 submitters: Uncertain significance (2). Last evaluated 2026-01-27.

Allele frequency attached by ClinVar (database versions not stated): ExAC 0.00005; gnomAD 0.00001; gnomAD exomes 0.00001; TOPMed 0.00001; ESP Exome Variant Server 0.00008.
gnomAD v4.1: 12 of 1,552,590 alleles (0.00077%); highest among the groups gnomAD compares: African/African-American, 0.0014%; no homozygotes.

Submissions (2):

Labcorp Genetics (formerly Invitae), Labcorp
Classification: Uncertain significance. Last evaluated: 2026-01-27. Review status: criteria provided, single submitter. Criteria: Invitae Variant Classification Sherloc (09022015). Collection method: clinical testing. Allele origin: germline.
Comment: This sequence change replaces glycine, which is neutral and non-polar, with aspartic acid, which is acidic and polar, at codon 599 of the COL9A3 protein (p.Gly599Asp). The frequency data for this variant in the population databases is considered unreliable, as metrics indicate poor data quality at this position in the gnomAD database. This variant has not been reported in the literature in individuals affected with COL9A3-related conditions. ClinVar contains an entry for this variant (Variation ID: 1174164). Invitae Evidence Modeling of protein sequence and biophysical properties (such as structural, functional, and spatial information, amino acid conservation, physicochemical variation, residue mobility, and thermodynamic stability) indicates that this missense variant is expected to disrupt COL9A3 protein function with a positive predictive value of 95%. In summary, the available evidence is currently insufficient to determine the role of this variant in disease. Therefore, it has been classified as a Variant of Uncertain Significance.

GeneDx
Classification: Uncertain significance. Last evaluated: 2018-10-24. Review status: criteria provided, single submitter. Criteria: GeneDx Variant Classification (06012015). Collection method: clinical testing. Allele origin: germline. Affected: yes.
Comment: Has not been previously published as pathogenic or benign to our knowledge; Not observed in large population cohorts (Lek et al., 2016); In silico analysis, which includes protein predictors and evolutionary conservation, supports a deleterious effect